The following is an entry in ClinVar:

NM_001429.4(EP300):c.1532C>G (p.Ala511Gly)

Gene: EP300 (E1A binding protein p300; plus strand). Cytogenetic location: 22q13.2.
Variant type: single nucleotide variant.
Coding change: c.1532C>G on transcript NM_001429.4 (MANE Select); coding-DNA position 1532, C replaced by G.
Protein change: p.Ala511Gly; replaces alanine 511 with glycine.
Molecular consequence: missense variant.
Genome position (GRCh38, 1-based): chr22:41,135,816, C>G. VCF-style: chr22-41135816-C-G. GRCh37 (hg19) VCF-style: chr22-41531820-C-G.
Other names: c.1532C>G, p.Ala511Gly (NM_001362843.2); short protein forms A511G.
Identifiers: ClinVar variation 3358187 (VCV003358187.1).
Genomic context (GRCh38, chr22:41,135,816, plus strand): 5'-TATTGTATGGTGGCTGTTGTATTTATTTCTGTCTCCTGTTATTTCATTTTGACTTAGGTG[C>G]TAGTCCTATGGGAGTAAATGGAGGTGTAGGAGTTCAAACGCCGAGTCTTCTTTCTGACTC-3'
Protein context (NP_001420.2, residues 501-521): QGMRPMSNMS[Ala511Gly]SPMGVNGGVG

ClinVar aggregate classification (germline): Likely benign (0 of 4 stars; one submission).

Conditions:
EP300-related disorder. Also called: EP300-related disorders; EP300-related condition.

gnomAD v4.1: 39 of 1,610,752 alleles (0.0024%); highest among the groups gnomAD compares: Non-Finnish European, 0.0019%; no homozygotes.

Submission:

PreventionGenetics, part of Exact Sciences
Classification: Likely benign for EP300-related condition. Last evaluated: 2022-01-26. Review status: no assertion criteria provided. Collection method: clinical testing. Allele origin: germline.
Comment: This variant is classified as likely benign based on ACMG/AMP sequence variant interpretation guidelines (Richards et al. 2015 PMID: 25741868, with internal and published modifications).